The following is an entry in ClinVar:

NM_005157.6(ABL1):c.3136A>G (p.Asn1046Asp)

Gene: ABL1 (ABL proto-oncogene 1, non-receptor tyrosine kinase; plus strand). Cytogenetic location: 9q34.12.
Variant type: single nucleotide variant.
Coding change: c.3136A>G on transcript NM_005157.6 (MANE Select); coding-DNA position 3136, A replaced by G.
Protein change: p.Asn1046Asp; replaces asparagine 1046 with aspartic acid.
Molecular consequence: missense variant.
Genome position (GRCh38, 1-based): chr9:130,885,426, A>G. VCF-style: chr9-130885426-A-G. GRCh37 (hg19) VCF-style: chr9-133760813-A-G.
Other names: c.3193A>G, p.Asn1065Asp (NM_007313.3); short protein forms N1046D, N1065D.
Identifiers: ClinVar variation 3635947 (VCV003635947.2).

ClinVar aggregate classification (germline): Uncertain significance (1 of 4 stars; one submission).

Submission:

Labcorp Genetics (formerly Invitae), Labcorp
Classification: Uncertain significance. Last evaluated: 2024-09-16. Review status: criteria provided, single submitter. Criteria: Invitae Variant Classification Sherloc (09022015). Collection method: clinical testing. Allele origin: germline.
Comment: This sequence change replaces asparagine, which is neutral and polar, with aspartic acid, which is acidic and polar, at codon 1065 of the ABL1 protein (p.Asn1065Asp). This variant is not present in population databases (gnomAD no frequency). This variant has not been reported in the literature in individuals affected with ABL1-related conditions. Invitae Evidence Modeling of protein sequence and biophysical properties (such as structural, functional, and spatial information, amino acid conservation, physicochemical variation, residue mobility, and thermodynamic stability) indicates that this missense variant is not expected to disrupt ABL1 protein function with a negative predictive value of 95%. In summary, the available evidence is currently insufficient to determine the role of this variant in disease. Therefore, it has been classified as a Variant of Uncertain Significance.